The following is an entry in ClinVar:

ClinVar aggregate classification (germline): Uncertain significance (1 of 4 stars; one submission).

Conditions:
Werner syndrome (WRN). Identifiers: Orphanet 902, MedGen C0043119, MONDO:0010196, OMIM 277700.

Allele frequency attached by ClinVar (database versions not stated): gnomAD exomes below 0.00001; TOPMed below 0.00001; ExAC 0.00001; gnomAD 0.00001.

Submission:

Labcorp Genetics (formerly Invitae), Labcorp
Classification: Uncertain significance for Werner syndrome. Last evaluated: 2022-02-28. Review status: criteria provided, single submitter. Criteria: Invitae Variant Classification Sherloc (09022015). Collection method: clinical testing. Allele origin: germline.
Comment: This sequence change replaces aspartic acid, which is acidic and polar, with asparagine, which is neutral and polar, at codon 524 of the WRN protein (p.Asp524Asn). This variant is present in population databases (rs759933355, gnomAD 0.003%). This variant has not been reported in the literature in individuals affected with WRN-related conditions. Algorithms developed to predict the effect of missense changes on protein structure and function are either unavailable or do not agree on the potential impact of this missense change (SIFT: "Not Available"; PolyPhen-2: "Benign"; Align-GVGD: "Not Available"). In summary, the available evidence is currently insufficient to determine the role of this variant in disease. Therefore, it has been classified as a Variant of Uncertain Significance.

NM_000553.6(WRN):c.1570G>A (p.Asp524Asn)

Gene: WRN (WRN RecQ like helicase; plus strand). Cytogenetic location: 8p12.
Variant type: single nucleotide variant.
Coding change: c.1570G>A on transcript NM_000553.6 (MANE Select); coding-DNA position 1570, G replaced by A.
Protein change: p.Asp524Asn; replaces aspartic acid 524 with asparagine.
Molecular consequence: missense variant.
Genome position (GRCh38, 1-based): chr8:31,087,914, G>A. VCF-style: chr8-31087914-G-A. GRCh37 (hg19) VCF-style: chr8-30945430-G-A.
Other names: short protein forms D524N.
Identifiers: ClinVar variation 2104764 (VCV002104764.4), dbSNP rs759933355, ClinGen allele CA4704404.